The following is an entry in ClinVar:

ClinVar aggregate classification (germline): Uncertain significance. Review status: criteria provided, multiple submitters, no conflicts (2 of 4 stars). 4 submissions from 4 submitters: Uncertain significance (3). 1 of the submissions does not count toward it. Last evaluated 2024-11-15.

Conditions:
Autosomal recessive Alport syndrome (ATS2). Also called: ALPORT SYNDROME 2, AUTOSOMAL RECESSIVE; Alport syndrome type 2; COL4A3-Related Nephropathy; COL4A4 Alport Syndrome and Thin Basement Membrane Nephropathy. Identifiers: Orphanet 63, Orphanet 88919, MedGen C4746745, MONDO:0008762, OMIM 203780.
Hematuria, benign familial, 1 (BFH1). Also called: THIN MEMBRANE NEPHROPATHY. Identifiers: MedGen CN376803, MONDO:0007709, OMIM 141200.
Inborn genetic diseases. Identifiers: MedGen C0950123, MeSH D030342.

Allele frequency attached by ClinVar (database versions not stated): gnomAD exomes below 0.00001; ExAC 0.00001.
gnomAD v4.1: 4 of 1,613,810 alleles (0.00025%); highest among the groups gnomAD compares: Non-Finnish European, 0.00034%; no homozygotes.

Submissions (4):

Ambry Genetics
Classification: Uncertain significance for Inborn genetic diseases. Last evaluated: 2024-11-15. Review status: criteria provided, single submitter. Criteria: Ambry Variant Classification Scheme 2023. Collection method: clinical testing. Allele origin: germline.

Fulgent Genetics
Classification: Uncertain significance for Hematuria, benign familial, 1; Autosomal recessive Alport syndrome. Last evaluated: 2024-05-03. Review status: criteria provided, single submitter. Criteria: ACMG Guidelines, 2015. Collection method: clinical testing. Allele origin: germline.

Labcorp Genetics (formerly Invitae), Labcorp
Classification: Uncertain significance. Last evaluated: 2021-10-22. Review status: criteria provided, single submitter. Criteria: Invitae Variant Classification Sherloc (09022015). Collection method: clinical testing. Allele origin: germline.
Comment: In summary, the available evidence is currently insufficient to determine the role of this variant in disease. Therefore, it has been classified as a Variant of Uncertain Significance. Advanced modeling of protein sequence and biophysical properties (such as structural, functional, and spatial information, amino acid conservation, physicochemical variation, residue mobility, and thermodynamic stability) performed at Invitae indicates that this missense variant is not expected to disrupt COL4A4 protein function. This variant has not been reported in the literature in individuals with COL4A4-related conditions. ClinVar contains an entry for this variant (Variation ID: 554379). This variant is present in population databases (rs747708741, ExAC 0.002%). This sequence change replaces arginine with lysine at codon 1353 of the COL4A4 protein (p.Arg1353Lys). The arginine residue is moderately conserved and there is a small physicochemical difference between arginine and lysine.

Counsyl
Classification: Uncertain significance for Autosomal recessive Alport syndrome. Last evaluated: 2017-10-17. Review status: no assertion criteria provided. Collection method: clinical testing. Allele origin: unknown. Not counted in ClinVar's aggregate classification.

NM_000092.5(COL4A4):c.4058G>A (p.Arg1353Lys)

Gene: COL4A4 (collagen type IV alpha 4 chain; minus strand). Cytogenetic location: 2q36.3.
Variant type: single nucleotide variant.
Coding change: c.4058G>A on transcript NM_000092.5 (MANE Select); coding-DNA position 4058, G replaced by A.
Protein change: p.Arg1353Lys; replaces arginine 1353 with lysine.
Molecular consequence: missense variant.
Genome position (GRCh38, 1-based): chr2:227,027,925, C>T on the plus strand (G>A on the coding strand, the complement: COL4A4 is on the minus strand). VCF-style: chr2-227027925-C-T. GRCh37 (hg19) VCF-style: chr2-227892641-C-T.
Other names: short protein forms R1353K.
Identifiers: ClinVar variation 554379 (VCV000554379.8), dbSNP rs747708741, ClinGen allele CA2144345.